The following is an entry in ClinVar:

NM_004982.4(KCNJ8):c.586C>T (p.His196Tyr)

Genes: KCNJ8 (potassium inwardly rectifying channel subfamily J member 8; minus strand), KCNJ8-AS1 (KCNJ8 antisense RNA 1; plus strand). Cytogenetic location: 12p12.1.
Variant type: single nucleotide variant.
Coding change: c.586C>T on transcript NM_004982.4 (MANE Select); coding-DNA position 586, C replaced by T.
Protein change: p.His196Tyr; replaces histidine 196 with tyrosine.
Molecular consequence: missense variant.
Genome position (GRCh38, 1-based): chr12:21,766,412, G>A on the plus strand (C>T on the coding strand, the complement: KCNJ8 is on the minus strand). VCF-style: chr12-21766412-G-A. GRCh37 (hg19) VCF-style: chr12-21919346-G-A.
Other names: short protein forms H196Y.
Identifiers: ClinVar variation 3714024 (VCV003714024.2).
Genomic context (GRCh38, chr12:21,766,412, plus strand): 5'-TCAGGTCACCCACTCGGAACATGAAGCACAGCTTGCCATTTCGGACGGCAATCACAGCAT[G>A]GCGGCTGAAAATCAAAGTTTCTGCCCTTCTGTGAGCCTGAGCTGTTTTCATGAAAATGCA-3'
Protein context (NP_004973.1, residues 186-206): RRAETLIFSR[His196Tyr]AVIAVRNGKL

ClinVar aggregate classification (germline): Uncertain significance (1 of 4 stars; one submission).

Conditions:
Brugada syndrome. Also called: Sudden unexpected nocturnal death syndrome; Sudden unexplained nocturnal death syndrome; Sudden Unexplained Death Syndrome; Sudden Unexplained Nocturnal Death Syndrome (SUNDS). Identifiers: Orphanet 130, MedGen C1142166, MONDO:0015263.

gnomAD v4.1: 1 of 1,614,116 alleles (0.000062%); no homozygotes.

Submission:

Labcorp Genetics (formerly Invitae), Labcorp
Classification: Uncertain significance for Brugada syndrome. Last evaluated: 2024-04-06. Review status: criteria provided, single submitter. Criteria: Invitae Variant Classification Sherloc (09022015). Collection method: clinical testing. Allele origin: germline.
Comment: This sequence change replaces histidine, which is basic and polar, with tyrosine, which is neutral and polar, at codon 196 of the KCNJ8 protein (p.His196Tyr). This variant is not present in population databases (gnomAD no frequency). This variant has not been reported in the literature in individuals affected with KCNJ8-related conditions. Advanced modeling of protein sequence and biophysical properties (such as structural, functional, and spatial information, amino acid conservation, physicochemical variation, residue mobility, and thermodynamic stability) performed at Invitae indicates that this missense variant is not expected to disrupt KCNJ8 protein function with a negative predictive value of 80%. In summary, the available evidence is currently insufficient to determine the role of this variant in disease. Therefore, it has been classified as a Variant of Uncertain Significance.